The following is an entry in ClinVar:

NM_000138.5(FBN1):c.7498_7504del (p.Cys2500fs)

Gene: FBN1 (fibrillin 1; minus strand). Cytogenetic location: 15q21.1.
Variant type: Deletion.
Coding change: c.7498_7504del on transcript NM_000138.5 (MANE Select); coding-DNA positions 7498 to 7504, 7 bases deleted (TGTGTTA; older notation c.7498_7504delTGTGTTA).
Protein change: p.Cys2500fs; shifts the reading frame from cysteine 2500.
Molecular consequence: frameshift variant.
Genome position (GRCh38, 1-based): chr15:48,422,018-48,422,024, TAACACA deleted on the plus strand (TGTGTTA on the coding strand, the reverse complement: FBN1 is on the minus strand); deleting any 7 consecutive bases within chr15:48,422,018-48,422,026 gives the same sequence; the c. name uses the placement nearest the transcript's 3' end. VCF-style (leftmost placement, unchanged base first): chr15-48422017-TTAACACA-T. GRCh37 (hg19) VCF-style: chr15-48714214-TTAACACA-T.
Other names: short protein forms C2500fs.
Identifiers: ClinVar variation 1442996 (VCV001442996.6), dbSNP rs2141222500, ClinGen allele CA2573150918.

ClinVar aggregate classification (germline): Pathogenic (1 of 4 stars; one submission).

Conditions:
Marfan syndrome (MFS). Also called: MARFAN SYNDROME, TYPE I; Marfan syndrome type 1; Marfan's syndrome; Marfan syndrome, classic; FBN1-Related Marfan Syndrome. Identifiers: Orphanet 284963, Orphanet 558, MedGen C0024796, MONDO:0007947, OMIM 154700.
Familial thoracic aortic aneurysm and aortic dissection (TAAD). Also called: Thoracic aortic aneurysms and dissections. Identifiers: Orphanet 91387, MedGen C4707243, MONDO:0019625.

Submission:

Labcorp Genetics (formerly Invitae), Labcorp
Classification: Pathogenic for Marfan syndrome; Familial thoracic aortic aneurysm and aortic dissection. Last evaluated: 2021-08-31. Review status: criteria provided, single submitter. Criteria: Invitae Variant Classification Sherloc (09022015). Collection method: clinical testing. Allele origin: germline.
Comment: This sequence change creates a premature translational stop signal (p.Cys2500Thrfs*180) in the FBN1 gene. It is expected to result in an absent or disrupted protein product. Loss-of-function variants in FBN1 are known to be pathogenic (PMID: 17657824, 19293843). This variant is not present in population databases (ExAC no frequency). This variant has not been reported in the literature in individuals affected with FBN1-related conditions. For these reasons, this variant has been classified as Pathogenic.

Literature cited by the submitters: PubMed 17657824; PubMed 19293843.